The following is an entry in ClinVar:

ClinVar aggregate classification (germline): Uncertain significance (1 of 4 stars; one submission).

Conditions:
HTR2C-related disorder. Also called: HTR2C-related condition.

gnomAD v4.1: 1 of 1,208,730 alleles (0.000083%); highest among the groups gnomAD compares: Non-Finnish European, 0.00011%; no homozygotes.

Submission:

PreventionGenetics, part of Exact Sciences
Classification: Uncertain significance for HTR2C-related condition. Last evaluated: 2026-03-09. Review status: criteria provided, single submitter. Criteria: ACMG Guidelines, 2015. Collection method: clinical testing. Allele origin: germline.
Comment: The HTR2C c.589G>A variant is predicted to result in the amino acid substitution p.Glu197Lys. To our knowledge, this variant has not been reported in the literature or in a large population database (gnomAD), indicating this variant is rare. At this time, the clinical significance of this variant is uncertain due to the absence of conclusive functional and genetic evidence.

NM_000868.4(HTR2C):c.589G>A (p.Glu197Lys)

Genes: HTR2C (5-hydroxytryptamine receptor 2C; plus strand), LOC126863306 (MED14-independent group 3 enhancer GRCh37_chrX:114140926-114142125; plus strand). Cytogenetic location: Xq23.
Variant type: single nucleotide variant.
Coding change: c.589G>A on transcript NM_000868.4 (MANE Select); coding-DNA position 589, G replaced by A.
Protein change: p.Glu197Lys; replaces glutamic acid 197 with lysine.
Molecular consequence: missense variant.
Genome position (GRCh38, 1-based): chrX:114,906,627, G>A. VCF-style: chrX-114906627-G-A. GRCh37 (hg19) VCF-style: chrX-114141190-G-A.
Other names: c.589G>A, p.Glu197Lys (NM_001256760.3); c.494G>A, p.Arg165Gln (NM_001256761.3); short protein forms E197K, R165Q.
Identifiers: ClinVar variation 4988191 (VCV004988191.1).
Genomic context (GRCh38, chrX:114,906,627, plus strand): 5'-CCCTTCCTTTTTCTTCCTTTAGGTGTATCAGTTCCTATCCCTGTGATTGGACTGAGGGAC[G>A]AAGAAAAGGTGTTCGTGAACAACACGACGTGCGTGCTCAACGACCCAAATTTCGTTCTTA-3'
Protein context (NP_000859.2, residues 187-207): VPIPVIGLRD[Glu197Lys]EKVFVNNTTC